The following is an entry in ClinVar:

NM_020810.3(TRMT5):c.1282G>A (p.Ala428Thr)

Gene: TRMT5 (tRNA methyltransferase 5; minus strand). Cytogenetic location: 14q23.1.
Variant type: single nucleotide variant.
Coding change: c.1282G>A on transcript NM_020810.3 (MANE Select); coding-DNA position 1282, G replaced by A.
Protein change: p.Ala428Thr; replaces alanine 428 with threonine.
Molecular consequence: missense variant.
Genome position (GRCh38, 1-based): chr14:60,975,637, C>T on the plus strand (G>A on the coding strand, the complement: TRMT5 is on the minus strand). VCF-style: chr14-60975637-C-T. GRCh37 (hg19) VCF-style: chr14-61442355-C-T.
Other names: c.1366G>A, p.Ala456Thr (NM_001350253.1); c.1363G>A, p.Ala455Thr (NM_001350254.1); short protein forms A428T, A455T, A456T.
Identifiers: ClinVar variation 1392202 (VCV001392202.4), dbSNP rs776583836, ClinGen allele CA7213737.

ClinVar aggregate classification (germline): Uncertain significance (1 of 4 stars; one submission).

Allele frequency attached by ClinVar (database versions not stated): TOPMed below 0.00001; gnomAD 0.00001; gnomAD exomes 0.00001 and 0.00002; ExAC 0.00002.

Submission:

Labcorp Genetics (formerly Invitae), Labcorp
Classification: Uncertain significance. Last evaluated: 2023-08-17. Review status: criteria provided, single submitter. Criteria: Invitae Variant Classification Sherloc (09022015). Collection method: clinical testing. Allele origin: germline.
Comment: This variant has not been reported in the literature in individuals affected with TRMT5-related conditions. ClinVar contains an entry for this variant (Variation ID: 1392202). Advanced modeling of protein sequence and biophysical properties (such as structural, functional, and spatial information, amino acid conservation, physicochemical variation, residue mobility, and thermodynamic stability) performed at Invitae indicates that this missense variant is not expected to disrupt TRMT5 protein function. In summary, the available evidence is currently insufficient to determine the role of this variant in disease. Therefore, it has been classified as a Variant of Uncertain Significance. This variant is present in population databases (rs776583836, gnomAD 0.002%). This sequence change replaces alanine, which is neutral and non-polar, with threonine, which is neutral and polar, at codon 428 of the TRMT5 protein (p.Ala428Thr).